The following is an entry in ClinVar:

ClinVar aggregate classification (germline): Likely benign. Review status: reviewed by expert panel (3 of 4 stars). 2 submissions from 2 submitters: Likely benign (1). 1 of the submissions does not count toward it. Last evaluated 2025-12-19.

Conditions:
Immunodeficiency 14 (IMD14A). Also called: IMMUNODEFICIENCY 14A WITH LYMPHOPROLIFERATION, AUTOSOMAL DOMINANT; p110-DELTA-ACTIVATING MUTATION CAUSING SENESCENT T CELLS, LYMPHADENOPATHY, AND IMMUNODEFICIENCY; ACTIVATED PI3K-DELTA SYNDROME 1; Activated PI3K Delta Syndrome Type 1 (APDS1). Identifiers: Orphanet 397596, Orphanet 693661, MedGen C5907821, MONDO:0014222, OMIM 615513.

Allele frequency attached by ClinVar (database versions not stated): ExAC 0.00013; 1000 Genomes Project 30x 0.00016; 1000 Genomes Project 0.00020; gnomAD 0.00001 and 0.00003; TOPMed 0.00002; gnomAD exomes 0.00012.
gnomAD v4.1: 141 of 1,613,946 alleles (0.0087%); highest among the groups gnomAD compares: South Asian, 0.11%; no homozygotes.

Submissions (2):

ClinGen Primary Immune Regulatory Disorders Variant Curation Expert Panel, ClinGen
Classification: Likely benign for Immunodeficiency 14. Last evaluated: 2025-12-19. Review status: reviewed by expert panel. Criteria: ClinGen AbDef ACMG Specifications PIK3CD V1.0.0. Collection method: curation. Allele origin: germline. Inheritance: Autosomal dominant inheritance.
Comment: NM_005026.5(PIK3CD):c.4C>A (p.Pro2Thr) is a missense variant that causes substitution of proline by threonine at amino acid 2. This variant is present in gnomAD v4.1.0 at a GrpMax allele frequency of 0.0009232, with 100 alleles / 91,082 total alleles in the South Asian population, which is higher than the ClinGen Antibody Deficiencies VCEP BS1 threshold of >0.000316 (BS1). The computational predictor REVEL gives a score of 0.166, which is below the ClinGen Antibody Deficiencies VCEP threshold of <0.290 and predicts a non-damaging effect on PIK3CD function. The computational predictor CADD gives a PHRED score of 23.5, which is above the ClinGen Antibody Deficiencies VCEP threshold of >22.7 and does not predict a non-deleterious effect on PIK3CD function. Because the two predictors do not agree on a non-damaging effect, BP4 is not met. In summary, this variant meets the criteria to be classified as likely benign for autosomal dominant immunodeficiency 14 based on the ACMG/AMP criteria applied, as specified by the ClinGen Antibody Deficiencies VCEP: BS1. (VCEP specifications version 1.0.0).

Labcorp Genetics (formerly Invitae), Labcorp
Classification: Likely benign for Activated PI3K-delta syndrome. Last evaluated: 2026-01-11. Review status: criteria provided, single submitter. Criteria: Invitae Variant Classification Sherloc (09022015). Collection method: clinical testing. Allele origin: germline. Not counted in ClinVar's aggregate classification.

NM_005026.5(PIK3CD):c.4C>A (p.Pro2Thr)

Gene: PIK3CD (phosphatidylinositol-4,5-bisphosphate 3-kinase catalytic subunit delta; plus strand). Cytogenetic location: 1p36.22.
Variant type: single nucleotide variant.
Coding change: c.4C>A on transcript NM_005026.5 (MANE Select); coding-DNA position 4, C replaced by A.
Protein change: p.Pro2Thr; replaces proline 2 with threonine.
Molecular consequence: missense variant.
Genome position (GRCh38, 1-based): chr1:9,710,459, C>A. VCF-style: chr1-9710459-C-A. GRCh37 (hg19) VCF-style: chr1-9770517-C-A.
Other names: NM_005026.5(PIK3CD):c.4C>A; p.Pro2Thr; c.4C>A, p.Pro2Thr (NM_001350234.2, NM_001350235.1); short protein forms P2T.
Identifiers: ClinVar variation 1138980 (VCV001138980.9), dbSNP rs541082914, ClinGen allele CA576757.